The following is an entry in ClinVar:

ClinVar aggregate classification (germline): Uncertain significance. Review status: criteria provided, multiple submitters, no conflicts (2 of 4 stars). 3 submissions from 3 submitters: Uncertain significance (3). Last evaluated 2024-10-16.

Conditions:
Inborn genetic diseases. Identifiers: MedGen C0950123, MeSH D030342.
Primary ciliary dyskinesia 33. Also called: CILIARY DYSKINESIA, PRIMARY, 33, WITHOUT SITUS INVERSUS. Identifiers: Orphanet 244, MedGen C4225230, MONDO:0014750, OMIM 616726.

Allele frequency attached by ClinVar (database versions not stated): gnomAD 0.00003 and 0.00004; gnomAD exomes 0.00003; TOPMed 0.00005; ExAC 0.00006.
gnomAD v4.1: 79 of 1,586,434 alleles (0.005%); highest among the groups gnomAD compares: Non-Finnish European, 0.0056%; no homozygotes.

Submissions (3):

Labcorp Genetics (formerly Invitae), Labcorp
Classification: Uncertain significance for Primary ciliary dyskinesia 33. Last evaluated: 2024-10-16. Review status: criteria provided, single submitter. Criteria: Invitae Variant Classification Sherloc (09022015). Collection method: clinical testing. Allele origin: germline.
Comment: This sequence change replaces arginine, which is basic and polar, with tryptophan, which is neutral and slightly polar, at codon 342 of the GAS8 protein (p.Arg342Trp). The frequency data for this variant in the population databases is considered unreliable, as metrics indicate poor data quality at this position in the gnomAD database. This variant has not been reported in the literature in individuals affected with GAS8-related conditions. ClinVar contains an entry for this variant (Variation ID: 1007688). Invitae Evidence Modeling of protein sequence and biophysical properties (such as structural, functional, and spatial information, amino acid conservation, physicochemical variation, residue mobility, and thermodynamic stability) indicates that this missense variant is expected to disrupt GAS8 protein function with a positive predictive value of 80%. In summary, the available evidence is currently insufficient to determine the role of this variant in disease. Therefore, it has been classified as a Variant of Uncertain Significance.

Ambry Genetics
Classification: Uncertain significance for Inborn genetic diseases. Last evaluated: 2023-10-25. Review status: criteria provided, single submitter. Criteria: Ambry Variant Classification Scheme 2023. Collection method: clinical testing. Allele origin: germline.

Blueprint Genetics
Classification: Uncertain significance. Last evaluated: 2023-08-16. Review status: criteria provided, single submitter. Criteria: ACMG Guidelines, 2015. Collection method: clinical testing. Allele origin: germline.

NM_001481.3(DRC4):c.1024C>T (p.Arg342Trp)

Gene: DRC4 (dynein regulatory complex subunit 4; plus strand). Cytogenetic location: 16q24.3.
Variant type: single nucleotide variant.
Coding change: c.1024C>T on transcript NM_001481.3 (MANE Select); coding-DNA position 1024, C replaced by T.
Protein change: p.Arg342Trp; replaces arginine 342 with tryptophan.
Molecular consequence: missense variant. On other transcripts: non-coding transcript variant (1).
Genome position (GRCh38, 1-based): chr16:90,040,312, C>T. VCF-style: chr16-90040312-C-T. GRCh37 (hg19) VCF-style: chr16-90106720-C-T.
Other names: c.775C>T, p.Arg259Trp (NM_001286205.2); c.448C>T, p.Arg150Trp (NM_001286208.2); c.949C>T, p.Arg317Trp (NM_001286209.2); c.1024C>T (NM_001481.2); short protein forms R150W, R259W, R317W, R342W.
Identifiers: ClinVar variation 1007688 (VCV001007688.8), dbSNP rs768412907, ClinGen allele CA8258080.